The following is an entry in ClinVar:

NM_005859.5(PURA):c.227A>C (p.Asp76Ala)

Gene: PURA (purine rich element binding protein A; plus strand). Cytogenetic location: 5q31.3.
Variant type: single nucleotide variant.
Coding change: c.227A>C on transcript NM_005859.5 (MANE Select); coding-DNA position 227, A replaced by C.
Protein change: p.Asp76Ala; replaces aspartic acid 76 with alanine.
Molecular consequence: missense variant.
Genome position (GRCh38, 1-based): chr5:140,114,408, A>C. VCF-style: chr5-140114408-A-C. GRCh37 (hg19) VCF-style: chr5-139493993-A-C.
Other names: short protein forms D76A.
Identifiers: ClinVar variation 2572627 (VCV002572627.1), dbSNP rs2479504540, ClinGen allele CA361490202.
Genomic context (GRCh38, chr5:140,114,408, plus strand): 5'-ACGAGACGCAGGAGCTGGCCTCCAAGCGGGTGGACATCCAGAACAAGCGCTTCTACCTGG[A>C]CGTGAAGCAGAACGCCAAGGGCCGCTTCCTGAAGATCGCCGAGGTGGGCGCGGGCGGCAA-3'
Protein context (NP_005850.1, residues 66-86): VDIQNKRFYL[Asp76Ala]VKQNAKGRFL

ClinVar aggregate classification (germline): Likely pathogenic (1 of 4 stars; one submission).

Conditions:
PURA-related severe neonatal hypotonia-seizures-encephalopathy syndrome (NEDRIHF). Also called: NEURODEVELOPMENTAL DISORDER WITH NEONATAL RESPIRATORY INSUFFICIENCY, HYPOTONIA, AND FEEDING DIFFICULTIES; PURA-Related Neurodevelopmental Disorders. Identifiers: Orphanet 438213, Orphanet 438216, MedGen C4015357, MONDO:1060108, OMIM 616158, MONDO:0018580.

Submission:

Laboratory of Medical Genetics, National & Kapodistrian University of Athens
Classification: Likely pathogenic for PURA-related severe neonatal hypotonia-seizures-encephalopathy syndrome. Last evaluated: 2022-10-27. Review status: criteria provided, single submitter. Criteria: ACMG Guidelines, 2015. Collection method: clinical testing. Allele origin: de novo. Affected: yes.
Comment: PS2, PM1, PM2, PP3